The following is an entry in ClinVar:

ClinVar aggregate classification (germline): Uncertain significance. Review status: criteria provided, multiple submitters, no conflicts (2 of 4 stars). 2 submissions from 2 submitters: Uncertain significance (2). Last evaluated 2026-04-24.

gnomAD v4.1: 1 of 1,613,882 alleles (0.000062%); highest among the groups gnomAD compares: African/African-American, 0.0013%; no homozygotes.

Submissions (2):

GeneDx
Classification: Uncertain significance. Last evaluated: 2026-04-24. Review status: criteria provided, single submitter. Criteria: GeneDx Variant Classification Process June 2021. Collection method: clinical testing. Allele origin: germline.
Comment: Not observed at significant frequency in large population cohorts (gnomAD); In silico analysis supports that this missense variant has a deleterious effect on protein structure/function; Has not been previously published as pathogenic or benign to our knowledge

Blueprint Genetics
Classification: Uncertain significance. Last evaluated: 2022-06-03. Review status: criteria provided, single submitter. Criteria: ACMG Guidelines, 2015. Collection method: clinical testing. Allele origin: germline.

NM_016247.4(IMPG2):c.3037C>T (p.Pro1013Ser)

Gene: IMPG2 (interphotoreceptor matrix proteoglycan 2; minus strand). Cytogenetic location: 3q12.3.
Variant type: single nucleotide variant.
Coding change: c.3037C>T on transcript NM_016247.4 (MANE Select); coding-DNA position 3037, C replaced by T.
Protein change: p.Pro1013Ser; replaces proline 1013 with serine.
Molecular consequence: missense variant.
Genome position (GRCh38, 1-based): chr3:101,232,977, G>A on the plus strand (C>T on the coding strand, the complement: IMPG2 is on the minus strand). VCF-style: chr3-101232977-G-A. GRCh37 (hg19) VCF-style: chr3-100951821-G-A.
Other names: c.3037C>T (NM_016247.3); short protein forms P1013S.
Identifiers: ClinVar variation 4963483 (VCV004963483.2).